The following is an entry in ClinVar:

ClinVar aggregate classification (germline): Uncertain significance (1 of 4 stars; one submission).

Submission:

GeneDx
Classification: Uncertain significance. Last evaluated: 2024-05-22. Review status: criteria provided, single submitter. Criteria: GeneDx Variant Classification Process June 2021. Collection method: clinical testing. Allele origin: germline. Affected: yes.
Comment: Not observed at significant frequency in large population cohorts (gnomAD); In silico analysis indicates that this variant does not alter splicing; Has not been previously published as pathogenic or benign to our knowledge

NM_001256012.3(MYH10):c.807C>T (p.Ala269=)

Gene: MYH10 (myosin heavy chain 10; minus strand). Cytogenetic location: 17p13.1.
Variant type: single nucleotide variant.
Coding change: c.807C>T on transcript NM_001256012.3 (MANE Select); coding-DNA position 807, C replaced by T.
Protein change: p.Ala269=; no amino-acid change (alanine 269 retained).
Molecular consequence: synonymous variant.
Genome position (GRCh38, 1-based): chr17:8,553,968, G>A on the plus strand (C>T on the coding strand, the complement: MYH10 is on the minus strand). VCF-style: chr17-8553968-G-A. GRCh37 (hg19) VCF-style: chr17-8457286-G-A.
Other names: c.804C>T, p.Ala268= (NM_001256095.2); c.807C>T, p.Ala269= (NM_001375266.1); c.777C>T, p.Ala259= (NM_005964.5).
Identifiers: ClinVar variation 3381475 (VCV003381475.1).
Genomic context (GRCh38, chr17:8,553,968, plus strand): 5'-ACTAAATCCTTCTTTATTTTGGATTATACATTTATGAAAAAGGATACATGTTTCAATGTT[G>A]GCCCCAACGATATAGCCAGTTACATCAAAGTTGATCCGAATAAATTTGCCCTGAAAATAA-3'
Protein context (NP_001242941.1, residues 259-279): NFDVTGYIVG[Ala269=]NIETYLLEKS